The following is an entry in ClinVar:

NM_004655.4(AXIN2):c.248A>C (p.His83Pro)

Gene: AXIN2 (axin 2; minus strand). Cytogenetic location: 17q24.1.
Variant type: single nucleotide variant.
Coding change: c.248A>C on transcript NM_004655.4 (MANE Select); coding-DNA position 248, A replaced by C.
Protein change: p.His83Pro; replaces histidine 83 with proline.
Molecular consequence: missense variant.
Genome position (GRCh38, 1-based): chr17:65,558,373, T>G on the plus strand (A>C on the coding strand, the complement: AXIN2 is on the minus strand). VCF-style: chr17-65558373-T-G. GRCh37 (hg19) VCF-style: chr17-63554491-T-G.
Other names: c.248A>C, p.His83Pro (NM_001363813.1); short protein forms H83P.
Identifiers: ClinVar variation 2451671 (VCV002451671.2), dbSNP rs2044306177, ClinGen allele CA400681818.
Genomic context (GRCh38, chr17:65,558,373, plus strand): 5'-TTCTCCCTCTCCAGGAAAGTTCGGAACAGGTAAGCACCGTCTTGATCGCCCAATAAGGAG[T>G]GTAAGGACTTGGTCCACCGGGTCAGAGGGGAATCCGGAGATGCCCGCCCCTCCGGCTCCC-3'
Protein context (NP_004646.3, residues 73-93): SPLTRWTKSL[His83Pro]SLLGDQDGAY

ClinVar aggregate classification (germline): Uncertain significance (1 of 4 stars; one submission).

Conditions:
Hereditary cancer-predisposing syndrome. Also called: Neoplastic Syndromes, Hereditary; Tumor predisposition; Hereditary neoplastic syndrome; Hereditary Cancer Syndrome. Identifiers: Orphanet 140162, MedGen C0027672, MeSH D009386, MONDO:0015356.

Submission:

Ambry Genetics
Classification: Uncertain significance for Hereditary cancer-predisposing syndrome. Last evaluated: 2023-02-28. Review status: criteria provided, single submitter. Criteria: Ambry Variant Classification Scheme 2023. Collection method: clinical testing. Allele origin: germline.
Comment: The p.H83P variant (also known as c.248A>C), located in coding exon 1 of the AXIN2 gene, results from an A to C substitution at nucleotide position 248. The histidine at codon 83 is replaced by proline, an amino acid with similar properties. This amino acid position is conserved. In addition, the in silico prediction for this alteration is inconclusive. Since supporting evidence is limited at this time, the clinical significance of this alteration remains unclear.